The following is an entry in ClinVar:

ClinVar aggregate classification (germline): Pathogenic/Likely pathogenic. Review status: criteria provided, multiple submitters, no conflicts (2 of 4 stars). 7 submissions from 7 submitters: Pathogenic (6); Likely pathogenic (1). Last evaluated 2026-07-06.

Conditions:
PKLR-related disorder. Also called: PKLR-related condition.
Pyruvate kinase deficiency of red cells (CNSHA2). Also called: PK DEFICIENCY; PYRUVATE KINASE DEFICIENCY OF ERYTHROCYTE; Pyruvate kinase deficiency, Amish type. Identifiers: Orphanet 766, MedGen C0340968, MONDO:0009950, OMIM 266200.

gnomAD v4.1: 159 of 1,613,962 alleles (0.0099%); highest among the groups gnomAD compares: Admixed American, 0.038%; no homozygotes.

Submissions (7):

Victorian Clinical Genetics Services, Murdoch Childrens Research Institute
Classification: Pathogenic for Pyruvate kinase deficiency of red cells. Last evaluated: 2026-07-06. Review status: criteria provided, single submitter. Criteria: ACMG Guidelines, 2015. Collection method: clinical testing. Allele origin: germline. Affected: no.
Comment: This variant is classified as Pathogenic. Evidence in support of pathogenic classification: This variant is present in gnomAD <0.01 (v4: 159 heterozygote(s), 0 homozygote(s)); This variant has strong previous evidence of pathogenicity in unrelated individuals. This variant has been classified as pathogenic or likely pathogenic by multiple clinical laboratories in ClinVar. This variant has been reported in multiple individuals affected with pyruvate kinase deficiency (PMIDs: 7706479, 29519373, 32043619, 29786897); Missense variant predicted to be damaging by in silico tool(s) and/or highly conserved with a major amino acid change. Additional information: This variant is predicted to result in a missense amino acid change from Asp to Glu; This variant is heterozygous; This gene is associated with both recessive and dominant disease. Both dominant elevated adenosine triphosphate of erythrocytes (MIM#102900) and recessive pyruvate kinase deficiency (MIM#266200) have been associated with PKLR. However, most of the literature reports associate with the recessive condition; Alternative amino acid change(s) at the same position are present in gnomAD (highest allele count: v4: 8 heterozygote(s), 0 homozygote(s)); Variant is located in the annotated pyruvate kinase barrel domain (DECIPHER); Variants in this gene are known to have variable expressivity. Varying clinical outcomes have been reported for individuals with consistent genotypes (PMID: 32043619).

OLLIN Analises Genomicas, OLLIN
Classification: Pathogenic for Pyruvate kinase deficiency of red cells. Last evaluated: 2026-02-13. Review status: criteria provided, single submitter. Criteria: ACMG Guidelines 2015 PMID 25741868. Collection method: clinical testing. Allele origin: germline. Observed: 1 variant allele.
Comment: PS4, PM2_P, PM3_S, PM5, PP3

Mayo Clinic Laboratories, Mayo Clinic
Classification: Pathogenic. Last evaluated: 2025-08-27. Review status: criteria provided, single submitter. Criteria: ACMG Guidelines, 2015. Collection method: clinical testing. Allele origin: germline. Observed: 4 variant alleles.
Comment: PP3, PM1, PM2_supporting, PM3_strong, PS4_moderate

Labcorp Genetics (formerly Invitae), Labcorp
Classification: Pathogenic. Last evaluated: 2025-07-13. Review status: criteria provided, single submitter. Criteria: Invitae Variant Classification Sherloc (09022015). Collection method: clinical testing. Allele origin: germline.
Comment: This sequence change replaces aspartic acid, which is acidic and polar, with glutamic acid, which is acidic and polar, at codon 331 of the PKLR protein (p.Asp331Glu). This variant is present in population databases (rs138476691, gnomAD 0.03%). This missense change has been observed in individual(s) with pyruvate kinase deficiency (PMID: 7706479, 9657767, 10354117, 17360088, 29519373). ClinVar contains an entry for this variant (Variation ID: 1163643). Invitae Evidence Modeling of protein sequence and biophysical properties (such as structural, functional, and spatial information, amino acid conservation, physicochemical variation, residue mobility, and thermodynamic stability) indicates that this missense variant is not expected to disrupt PKLR protein function with a negative predictive value of 80%. For these reasons, this variant has been classified as Pathogenic.

Blueprint Genetics
Classification: Pathogenic for PKLR-related disorders. Last evaluated: 2024-07-10. Review status: criteria provided, single submitter. Criteria: ACMG Guidelines, 2015. Collection method: clinical testing. Allele origin: germline. Affected: yes. Observed: 5 variant alleles.

ARUP Laboratories, Molecular Genetics and Genomics, ARUP Laboratories
Classification: Likely pathogenic. Last evaluated: 2023-09-14. Review status: criteria provided, single submitter. Criteria: ARUP Molecular Germline Variant Investigation Process 2024. Collection method: clinical testing. Allele origin: germline.
Comment: The PKLR c.993C>A; p.Asp331Glu variant (rs138476691) is reported in the literature in two individuals affected with PK deficiency (Baronciani 1995, Svidnicki 2018). This variant is also reported in ClinVar (Variation ID: 1163643). This variant is found in the general population with an overall allele frequency of 0.008% (24/282626 alleles) in the Genome Aggregation Database. Computational analyses predict that this variant is deleterious (REVEL: 0.942). Additionally, other variants at this codon (c.992A>G, p.Asp331Gly; c.991G>A, p.Asp331Asn) have been reported in individuals with PK deficiency and are considered disease causing (Baronciani 1998, Gupta 2007, Jamwal 2020). Based on available information, this variant is considered to be likely pathogenic. REFERENCES Baronciani L et al. Molecular study of pyruvate kinase deficient patients with hereditary nonspherocytic hemolytic anemia. J Clin Invest. 1995 Apr. PMID: 7706479 Baronciani L et al. Hematologically important mutations: red cell pyruvate kinase (2nd update). Blood Cells Mol Dis. 1998 Sep. PMID: 10087985 Gupta N et al. Prenatal diagnosis for a novel homozygous mutation in PKLR gene in an Indian family. Prenat Diagn. 2007 Feb. PMID: 17191259 Jamwal M et al. Next-Generation Sequencing-Based Diagnosis of Unexplained Inherited Hemolytic Anemias Reveals Wide Genetic and Phenotypic Heterogeneity. J Mol Diagn. 2020 Apr. PMID: 32036089 Svidnicki M et al. Novel mutations associated with pyruvate kinase deficiency in Brazil. Rev Bras Hematol Hemoter. 2018 Jan - Mar. PMID: 29519373

Revvity Omics, Revvity
Classification: Pathogenic. Last evaluated: 2023-07-18. Review status: criteria provided, single submitter. Criteria: ACMG Guidelines, 2015. Collection method: clinical testing. Allele origin: germline.

Literature cited by the submitters: PubMed 7706479 (cited by 3 submitters); PubMed 29786897 (cited by Victorian Clinical Genetics Services, Murdoch Childrens Research Institute and Mayo Clinic Laboratories, Mayo Clinic); PubMed 32043619 (cited by Victorian Clinical Genetics Services, Murdoch Childrens Research Institute); PubMed 29519373 (cited by 3 submitters); PubMed 10354117 (cited by Mayo Clinic Laboratories, Mayo Clinic and Labcorp Genetics (formerly Invitae), Labcorp); PubMed 11960989 (cited by Mayo Clinic Laboratories, Mayo Clinic); PubMed 26832193 (cited by Mayo Clinic Laboratories, Mayo Clinic); PubMed 9160692 (cited by Mayo Clinic Laboratories, Mayo Clinic); PubMed 9657767 (cited by Labcorp Genetics (formerly Invitae), Labcorp); PubMed 17360088 (cited by Labcorp Genetics (formerly Invitae), Labcorp).

NM_000298.6(PKLR):c.993C>A (p.Asp331Glu)

Gene: PKLR (pyruvate kinase L/R; minus strand). Cytogenetic location: 1q22.
Variant type: single nucleotide variant.
Coding change: c.993C>A on transcript NM_000298.6 (MANE Select); coding-DNA position 993, C replaced by A.
Protein change: p.Asp331Glu; replaces aspartic acid 331 with glutamic acid.
Molecular consequence: missense variant.
Genome position (GRCh38, 1-based): chr1:155,294,358, G>T on the plus strand (C>A on the coding strand, the complement: PKLR is on the minus strand). VCF-style: chr1-155294358-G-T. GRCh37 (hg19) VCF-style: chr1-155264149-G-T.
Other names: c.900C>A, p.Asp300Glu (NM_181871.4); short protein forms D300E, D331E.
Identifiers: ClinVar variation 1163643 (VCV001163643.16), dbSNP rs138476691, ClinGen allele CA1144141.